The following is an entry in ClinVar:

NM_152703.5(SAMD9L):c.2266T>C (p.Trp756Arg)

Gene: SAMD9L (sterile alpha motif domain containing 9 like; minus strand). Cytogenetic location: 7q21.2.
Variant type: single nucleotide variant.
Coding change: c.2266T>C on transcript NM_152703.5 (MANE Select); coding-DNA position 2266, T replaced by C.
Protein change: p.Trp756Arg; replaces tryptophan 756 with arginine.
Molecular consequence: missense variant.
Genome position (GRCh38, 1-based): chr7:93,133,706, A>G on the plus strand (T>C on the coding strand, the complement: SAMD9L is on the minus strand). VCF-style: chr7-93133706-A-G. GRCh37 (hg19) VCF-style: chr7-92763019-A-G.
Other names: c.2266T>C, p.Trp756Arg (NM_001303496.3, NM_001303497.3, NM_001303498.3 and 5 more transcripts); short protein forms W756R.
Identifiers: ClinVar variation 4630135 (VCV004630135.1).
Genomic context (GRCh38, chr7:93,133,706, plus strand): 5'-CTGCAAAATCAGTTGTCTTGTTTTTTAACACAGCACATCTGAAGTTTTTCTTTAAGTCCC[A>G]GAGAACATGCATAGCCAGTGTGGTACCTCCACAGCCTGGATGATGATAAAGATTGATGAT-3'
Protein context (NP_689916.2, residues 746-766): GGTTLAMHVL[Trp756Arg]DLKKNFRCAV

ClinVar aggregate classification (germline): Uncertain significance (1 of 4 stars; one submission).

Conditions:
Inborn genetic diseases. Identifiers: MedGen C0950123, MeSH D030342.

gnomAD v4.1: 2 of 1,613,628 alleles (0.00012%); highest among the groups gnomAD compares: Non-Finnish European, 0.00017%; no homozygotes.

Submission:

Ambry Genetics
Classification: Uncertain significance for Inborn genetic diseases. Last evaluated: 2025-11-23. Review status: criteria provided, single submitter. Criteria: Ambry Variant Classification Scheme 2023. Collection method: clinical testing. Allele origin: germline.
Comment: The p.W756R variant (also known as c.2266T>C), located in coding exon 1 of the SAMD9L gene, results from a T to C substitution at nucleotide position 2266. The tryptophan at codon 756 is replaced by arginine, an amino acid with dissimilar properties. This amino acid position is conserved. In addition, this alteration is predicted to be deleterious by in silico analysis. Based on the available evidence, the clinical significance of this variant remains unclear.